The following is an entry in ClinVar:

NM_001365276.2(TNXB):c.7680C>T (p.Asp2560=)

Gene: TNXB (tenascin XB; minus strand). Cytogenetic location: 6p21.33.
Variant type: single nucleotide variant.
Coding change: c.7680C>T on transcript NM_001365276.2 (MANE Select); coding-DNA position 7680, C replaced by T.
Protein change: p.Asp2560=; no amino-acid change (aspartic acid 2560 retained).
Molecular consequence: synonymous variant.
Genome position (GRCh38, 1-based): chr6:32,058,203, G>A on the plus strand (C>T on the coding strand, the complement: TNXB is on the minus strand). VCF-style: chr6-32058203-G-A. GRCh37 (hg19) VCF-style: chr6-32025980-G-A.
Other names: p.Asp2560=; c.7680C>T, p.Asp2560= (NM_019105.8).
Identifiers: ClinVar variation 261163 (VCV000261163.12), dbSNP rs12196385, ClinGen allele CA3734086.
Genomic context (GRCh38, chr6:32,058,203, plus strand): 5'-CAGGCCCCTCACAGTGACCTTGCTCTCCTGGCCCCCAACACGCACCGCCTGGGGCCGCCC[G>A]TCCCTGTCCTTGTACTGCACGGTGAAGGAGTCAAAGCGGCCCTGGGGGACGGTCCAGGAA-3'
Protein context (NP_001352205.1, residues 2550-2570): DSFTVQYKDR[Asp2560=]GRPQAVRVGG

ClinVar aggregate classification (germline): Benign/Likely benign. Review status: criteria provided, multiple submitters, no conflicts (2 of 4 stars). 8 submissions from 8 submitters: Benign (6); Likely benign (2). Last evaluated 2026-02-04.

Conditions:
Cardiovascular phenotype. Identifiers: MedGen CN230736.

Allele frequency attached by ClinVar (database versions not stated): gnomAD 0.10128 and 0.10077; TOPMed 0.10396; 1000 Genomes Project 30x 0.11040; 1000 Genomes Project 0.11262; ESP Exome Variant Server 0.11314; gnomAD exomes 0.08176 and 0.08671; ExAC 0.08539.
gnomAD v4.1: 142,451 of 1,612,278 alleles (8.8%); highest among the groups gnomAD compares: African/African-American, 16%; 7,211 homozygotes.

Submissions (8):

Labcorp Genetics (formerly Invitae), Labcorp
Classification: Benign. Last evaluated: 2026-02-04. Review status: criteria provided, single submitter. Criteria: Invitae Variant Classification Sherloc (09022015). Collection method: clinical testing. Allele origin: germline.

Women's Health and Genetics/Laboratory Corporation of America, LabCorp
Classification: Benign. Last evaluated: 2026-01-21. Review status: criteria provided, single submitter. Criteria: LabCorp Variant Classification Summary - May 2015. Collection method: clinical testing. Allele origin: germline.

Blueprint Genetics
Classification: Benign. Last evaluated: 2024-11-26. Review status: criteria provided, single submitter. Criteria: ACMG Guidelines, 2015. Collection method: clinical testing. Allele origin: germline.

Mayo Clinic Laboratories, Mayo Clinic
Classification: Benign. Last evaluated: 2024-11-25. Review status: criteria provided, single submitter. Criteria: ACMG Guidelines, 2015. Collection method: clinical testing. Allele origin: germline. Observed: 540 variant alleles.
Comment: BA1

Ambry Genetics
Classification: Benign for Cardiovascular phenotype. Last evaluated: 2018-12-04. Review status: criteria provided, single submitter. Criteria: Ambry Variant Classification Scheme 2023. Collection method: clinical testing. Allele origin: germline.

GeneDx
Classification: Benign. Last evaluated: 2018-07-09. Review status: criteria provided, single submitter. Criteria: GeneDx Variant Classification Process June 2021. Collection method: clinical testing. Allele origin: germline. Affected: yes.

Breakthrough Genomics
Classification: Likely benign. Review status: criteria provided, single submitter. Criteria: ACMG Guidelines, 2015. Collection method: not provided. Allele origin: germline. Inheritance: Autosomal recessive inheritance. Affected: yes.

PreventionGenetics, part of Exact Sciences
Classification: Likely benign. Review status: criteria provided, single submitter. Criteria: ACMG Guidelines, 2015. Collection method: clinical testing. Allele origin: germline.